The following is an entry in ClinVar:

ClinVar aggregate classification (germline): Uncertain significance. Review status: criteria provided, multiple submitters, no conflicts (2 of 4 stars). 2 submissions from 2 submitters: Uncertain significance (2). Last evaluated 2026-07-06.

Conditions:
Hereditary cancer-predisposing syndrome. Also called: Hereditary Cancer Syndrome; Hereditary neoplastic syndrome; Neoplastic Syndromes, Hereditary; Tumor predisposition. Identifiers: Orphanet 140162, MedGen C0027672, MeSH D009386, MONDO:0015356.
Gorlin syndrome. Also called: Nevoid Basal Cell Carcinoma Syndrome; Basal cell nevus syndrome. Identifiers: Orphanet 377, MedGen C0004779, MONDO:0007187.
Medulloblastoma (MDB). Also called: Medulloblastoma, somatic; MEDULLOBLASTOMA PREDISPOSITION SYNDROME. Identifiers: Orphanet 616, MedGen C0025149, MeSH D008527, MONDO:0007959, OMIM 155255, HP:0002885.

Submissions (2):

Ambry Genetics
Classification: Uncertain significance for Hereditary cancer-predisposing syndrome. Last evaluated: 2026-07-06. Review status: criteria provided, single submitter. Criteria: Ambry Variant Classification Scheme 2023. Collection method: clinical testing. Allele origin: germline.
Comment: The p.R299G variant (also known as c.895C>G), located in coding exon 7 of the SUFU gene, results from a C to G substitution at nucleotide position 895. The arginine at codon 299 is replaced by glycine, an amino acid with dissimilar properties. This amino acid position is conserved. In addition, the in silico prediction for this alteration is inconclusive. Based on the available evidence, the clinical significance of this variant remains unclear.

Labcorp Genetics (formerly Invitae), Labcorp
Classification: Uncertain significance for Gorlin syndrome; Medulloblastoma. Last evaluated: 2023-03-21. Review status: criteria provided, single submitter. Criteria: Invitae Variant Classification Sherloc (09022015). Collection method: clinical testing. Allele origin: germline.
Comment: Advanced modeling of protein sequence and biophysical properties (such as structural, functional, and spatial information, amino acid conservation, physicochemical variation, residue mobility, and thermodynamic stability) performed at Invitae indicates that this missense variant is not expected to disrupt SUFU protein function. In summary, the available evidence is currently insufficient to determine the role of this variant in disease. Therefore, it has been classified as a Variant of Uncertain Significance. This variant has not been reported in the literature in individuals affected with SUFU-related conditions. This sequence change replaces arginine, which is basic and polar, with glycine, which is neutral and non-polar, at codon 299 of the SUFU protein (p.Arg299Gly). This variant is not present in population databases (gnomAD no frequency).

NM_016169.4(SUFU):c.895C>G (p.Arg299Gly)

Gene: SUFU (SUFU negative regulator of hedgehog signaling; plus strand). Cytogenetic location: 10q24.32.
Variant type: single nucleotide variant.
Coding change: c.895C>G on transcript NM_016169.4 (MANE Select); coding-DNA position 895, C replaced by G.
Protein change: p.Arg299Gly; replaces arginine 299 with glycine.
Molecular consequence: missense variant.
Genome position (GRCh38, 1-based): chr10:102,597,278, C>G. VCF-style: chr10-102597278-C-G. GRCh37 (hg19) VCF-style: chr10-104357035-C-G.
Other names: c.895C>G, p.Arg299Gly (NM_001178133.2); short protein forms R299G.
Identifiers: ClinVar variation 2932841 (VCV002932841.4), dbSNP rs1590066162, ClinGen allele CA377910855.